The following is an entry in ClinVar:

ClinVar aggregate classification (germline): Uncertain significance (1 of 4 stars; one submission).

Conditions:
EGFR-related lung cancer (EGFR). Identifiers: MedGen CN130014.

Submission:

Labcorp Genetics (formerly Invitae), Labcorp
Classification: Uncertain significance for EGFR-related lung cancer. Last evaluated: 2025-06-30. Review status: criteria provided, single submitter. Criteria: Invitae Variant Classification Sherloc (09022015). Collection method: clinical testing. Allele origin: germline.
Comment: This sequence change falls in intron 19 of the EGFR gene. It does not directly change the encoded amino acid sequence of the EGFR protein. It affects a nucleotide within the consensus splice site. This variant is not present in population databases (gnomAD no frequency). This variant has not been reported in the literature in individuals affected with EGFR-related conditions. Variants that disrupt the consensus splice site are a relatively common cause of aberrant splicing (PMID: 17576681, 9536098). Algorithms developed to predict the effect of sequence changes on RNA splicing suggest that this variant may disrupt the consensus splice site. In summary, the available evidence is currently insufficient to determine the role of this variant in disease. Therefore, it has been classified as a Variant of Uncertain Significance.

Literature cited by the submitters: PubMed 17576681; PubMed 9536098.

NM_005228.5(EGFR):c.2283+3G>C

Gene: EGFR (epidermal growth factor receptor; plus strand). Cytogenetic location: 7p11.2.
Variant type: single nucleotide variant.
Coding change: c.2283+3G>C on transcript NM_005228.5 (MANE Select); 3 bases into the intron after coding-DNA position 2283, G replaced by C.
Molecular consequence: intron variant.
Genome position (GRCh38, 1-based): chr7:55,174,823, G>C. VCF-style: chr7-55174823-G-C. GRCh37 (hg19) VCF-style: chr7-55242516-G-C.
Other names: c.2148+3G>C (NM_001346899.2, NM_001346897.2); c.1482+3G>C (NM_001346941.2); c.2283+3G>C (NM_001346898.2); c.2124+3G>C (NM_001346900.2).
Identifiers: ClinVar variation 4721102 (VCV004721102.1).